The following is an entry in ClinVar:

NM_001378615.1(CC2D2A):c.97G>A (p.Val33Ile)

Genes: CC2D2A (coiled-coil and C2 domain containing 2A; plus strand), FBXL5 (F-box and leucine rich repeat protein 5; minus strand). Cytogenetic location: 4p15.32.
Variant type: single nucleotide variant.
Coding change: c.97G>A on transcript NM_001378615.1 (MANE Select); coding-DNA position 97, G replaced by A.
Protein change: p.Val33Ile; replaces valine 33 with isoleucine.
Molecular consequence: missense variant.
Genome position (GRCh38, 1-based): chr4:15,478,780, G>A. VCF-style: chr4-15478780-G-A. GRCh37 (hg19) VCF-style: chr4-15480404-G-A.
Other names: c.97G>A, p.Val33Ile (NM_001080522.2, NM_001164720.3, NM_020785.2); short protein forms V33I.
Identifiers: ClinVar variation 1515318 (VCV001515318.3), dbSNP rs745409806, ClinGen allele CA356407191.

ClinVar aggregate classification (germline): Uncertain significance (1 of 4 stars; one submission).

Conditions:
Joubert syndrome. Also called: JOUBERT-BOLTSHAUSER SYNDROME; Familial aplasia of the vermis. Identifiers: Orphanet 475, MedGen C5979921, MONDO:0018772.
Meckel-Gruber syndrome. Also called: DYSENCEPHALIA SPLANCHNOCYSTICA; GRUBER SYNDROME; Dysencephalia splachnocystica. Identifiers: Orphanet 564, MedGen C0265215, MONDO:0018921.

Allele frequency attached by ClinVar (database versions not stated): gnomAD 0.00001.

Submission:

Labcorp Genetics (formerly Invitae), Labcorp
Classification: Uncertain significance for Joubert syndrome; Meckel-Gruber syndrome. Last evaluated: 2022-05-25. Review status: criteria provided, single submitter. Criteria: Invitae Variant Classification Sherloc (09022015). Collection method: clinical testing. Allele origin: germline.
Comment: This sequence change replaces valine, which is neutral and non-polar, with isoleucine, which is neutral and non-polar, at codon 33 of the CC2D2A protein (p.Val33Ile). The frequency data for this variant in the population databases is considered unreliable, as metrics indicate poor data quality at this position in the gnomAD database. This variant has not been reported in the literature in individuals affected with CC2D2A-related conditions. Advanced modeling of protein sequence and biophysical properties (such as structural, functional, and spatial information, amino acid conservation, physicochemical variation, residue mobility, and thermodynamic stability) performed at Invitae indicates that this missense variant is not expected to disrupt CC2D2A protein function. In summary, the available evidence is currently insufficient to determine the role of this variant in disease. Therefore, it has been classified as a Variant of Uncertain Significance.